The following is an entry in ClinVar:

NM_206933.4(USH2A):c.5522G>T (p.Gly1841Val)

Genes: USH2A (usherin; minus strand), USH2A-AS2 (USH2A antisense RNA 2; plus strand). Cytogenetic location: 1q41.
Variant type: single nucleotide variant.
Coding change: c.5522G>T on transcript NM_206933.4 (MANE Select); coding-DNA position 5522, G replaced by T.
Protein change: p.Gly1841Val; replaces glycine 1841 with valine.
Molecular consequence: missense variant.
Genome position (GRCh38, 1-based): chr1:216,078,139, C>A on the plus strand (G>T on the coding strand, the complement: USH2A is on the minus strand). VCF-style: chr1-216078139-C-A. GRCh37 (hg19) VCF-style: chr1-216251481-C-A.
Other names: short protein forms G1841V.
Identifiers: ClinVar variation 2694319 (VCV002694319.3), dbSNP rs766833484, ClinGen allele CA344855803.

ClinVar aggregate classification (germline): Likely pathogenic (1 of 4 stars; one submission).

Submission:

Labcorp Genetics (formerly Invitae), Labcorp
Classification: Likely pathogenic. Last evaluated: 2025-06-22. Review status: criteria provided, single submitter. Criteria: Invitae Variant Classification Sherloc (09022015). Collection method: clinical testing. Allele origin: germline.
Comment: This sequence change replaces glycine, which is neutral and non-polar, with valine, which is neutral and non-polar, at codon 1841 of the USH2A protein (p.Gly1841Val). This variant is not present in population databases (gnomAD no frequency). This variant has not been reported in the literature in individuals affected with USH2A-related conditions. ClinVar contains an entry for this variant (Variation ID: 2694319). Invitae Evidence Modeling of protein sequence and biophysical properties (such as structural, functional, and spatial information, amino acid conservation, physicochemical variation, residue mobility, and thermodynamic stability) indicates that this missense variant is expected to disrupt USH2A protein function with a positive predictive value of 95%. This variant disrupts the p.Gly1841 amino acid residue in USH2A. Other variant(s) that disrupt this residue have been determined to be pathogenic (PMID: 27460420; internal data). This suggests that this residue is clinically significant, and that variants that disrupt this residue are likely to be disease-causing. In summary, the currently available evidence indicates that the variant is pathogenic, but additional data are needed to prove that conclusively. Therefore, this variant has been classified as Likely Pathogenic.

Literature cited by the submitters: PubMed 27460420.